The following is an entry in ClinVar:

ClinVar aggregate classification (germline): Benign. Review status: criteria provided, multiple submitters, no conflicts (2 of 4 stars). 2 submissions from 2 submitters: Benign (2). Last evaluated 2018-06-14.

Allele frequency attached by ClinVar (database versions not stated): 1000 Genomes Project 0.08167; 1000 Genomes Project 30x 0.08370; TOPMed 0.12526; gnomAD 0.12922 and 0.13238; gnomAD exomes 0.14028.
gnomAD v4.1: 87,271 of 631,686 alleles (14%); highest among the groups gnomAD compares: Middle Eastern, 22%; 7,033 homozygotes.

Submissions (2):

GeneDx
Classification: Benign. Last evaluated: 2018-06-14. Review status: criteria provided, single submitter. Criteria: GeneDx Variant Classification (06012015). Collection method: clinical testing. Allele origin: germline. Affected: yes.
Comment: This variant is considered likely benign or benign based on one or more of the following criteria: it is a conservative change, it occurs at a poorly conserved position in the protein, it is predicted to be benign by multiple in silico algorithms, and/or has population frequency not consistent with disease.

Breakthrough Genomics
Classification: Benign. Review status: criteria provided, single submitter. Criteria: ACMG Guidelines, 2015. Collection method: not provided. Allele origin: germline. Inheritance: Autosomal recessive inheritance. Affected: yes.

NM_005002.5(NDUFA9):c.656-149G>A

Gene: NDUFA9 (NADH:ubiquinone oxidoreductase subunit A9; plus strand). Cytogenetic location: 12p13.32.
Variant type: single nucleotide variant.
Coding change: c.656-149G>A on transcript NM_005002.5 (MANE Select); 149 bases into the intron before coding-DNA position 656, G replaced by A.
Molecular consequence: intron variant.
Genome position (GRCh38, 1-based): chr12:4,668,308, G>A. VCF-style: chr12-4668308-G-A. GRCh37 (hg19) VCF-style: chr12-4777474-G-A.
Identifiers: ClinVar variation 676287 (VCV000676287.2), dbSNP rs68144469, ClinGen allele CA231827841.